The following is an entry in ClinVar:

NM_001085.5(SERPINA3):c.-6T>C

Gene: SERPINA3 (serpin family A member 3; plus strand). Cytogenetic location: 14q32.13.
Variant type: single nucleotide variant.
Coding change: c.-6T>C on transcript NM_001085.5 (MANE Select); 6 bases upstream of the start codon, T replaced by C.
Molecular consequence: 5 prime UTR variant.
Genome position (GRCh38, 1-based): chr14:94,614,436, T>C. VCF-style: chr14-94614436-T-C. GRCh37 (hg19) VCF-style: chr14-95080773-T-C.
Other names: c.-6T>C (NM_001384672.1, NM_001384673.1, NM_001384674.1).
Identifiers: ClinVar variation 3039814 (VCV003039814.2), dbSNP rs144870571, ClinGen allele CA7329639.

ClinVar aggregate classification (germline): Likely benign (0 of 4 stars; one submission).

Conditions:
SERPINA3-related disorder. Also called: SERPINA3-related condition.

Allele frequency attached by ClinVar (database versions not stated): gnomAD exomes 0.00012; ExAC 0.00037; gnomAD 0.00129; TOPMed 0.00133; ESP Exome Variant Server 0.00154; 1000 Genomes Project 0.00200; 1000 Genomes Project 30x 0.00219.
gnomAD v4.1: 373 of 1,613,122 alleles (0.023%); highest among the groups gnomAD compares: African/African-American, 0.46%; 1 homozygote.

Submission:

PreventionGenetics, part of Exact Sciences
Classification: Likely benign for SERPINA3-related condition. Last evaluated: 2019-09-17. Review status: no assertion criteria provided. Collection method: clinical testing. Allele origin: germline.
Comment: This variant is classified as likely benign based on ACMG/AMP sequence variant interpretation guidelines (Richards et al. 2015 PMID: 25741868, with internal and published modifications).